The following is an entry in ClinVar:

NM_004082.5(DCTN1):c.232T>C (p.Tyr78His)

Gene: DCTN1 (dynactin subunit 1; minus strand). Cytogenetic location: 2p13.1.
Variant type: single nucleotide variant.
Coding change: c.232T>C on transcript NM_004082.5 (MANE Select); coding-DNA position 232, T replaced by C.
Protein change: p.Tyr78His; replaces tyrosine 78 with histidine.
Molecular consequence: missense variant. On other transcripts: non-coding transcript variant (1).
Genome position (GRCh38, 1-based): chr2:74,378,047, A>G on the plus strand (T>C on the coding strand, the complement: DCTN1 is on the minus strand). VCF-style: chr2-74378047-A-G. GRCh37 (hg19) VCF-style: chr2-74605174-A-G.
Other names: c.232T>C, p.Tyr78His (NM_001135040.3, NM_001190837.2); c.181T>C, p.Tyr61His (NM_001190836.2, NM_001378991.1, NM_001378992.1); short protein forms Y61H, Y78H.
Identifiers: ClinVar variation 582950 (VCV000582950.12), dbSNP rs1558948987, ClinGen allele CA347321804.
Genomic context (GRCh38, chr2:74,378,047, plus strand): 5'-AGGGCGTGAATACCTGGGACTGGCGCACAAAGATGCCATGCCCTTCATCACAAGTGAAGT[A>G]CTTCCTGCCTTGAACAGTTCCATCATTTTTGCCCTTTGCTTCATCCAGAATCACGCCTAC-3'
Protein context (NP_004073.2, residues 68-88): KNDGTVQGRK[Tyr78His]FTCDEGHGIF

ClinVar aggregate classification (germline): Likely pathogenic. Review status: criteria provided, multiple submitters, no conflicts (2 of 4 stars). 2 submissions from 2 submitters: Likely pathogenic (2). Last evaluated 2025-09-02.

Conditions:
Amyotrophic lateral sclerosis type 1 (ALS1). Also called: AMYOTROPHIC LATERAL SCLEROSIS 1, FAMILIAL. Identifiers: Orphanet 803, MedGen C1862939, MONDO:0007103, OMIM 105400.
Perry syndrome. Also called: PARKINSONISM WITH ALVEOLAR HYPOVENTILATION AND MENTAL DEPRESSION. Identifiers: Orphanet 178509, MedGen C1868594, MONDO:0008201, OMIM 168605.
Neuronopathy, distal hereditary motor, type 7B. Also called: NEURONOPATHY, DISTAL HEREDITARY MOTOR, AUTOSOMAL DOMINANT 14; NEURONOPATHY, DISTAL HEREDITARY MOTOR, HARDING TYPE VIIB; NEUROPATHY, DISTAL HEREDITARY MOTOR, HARDING TYPE VIIB; NEUROPATHY, DISTAL HEREDITARY MOTOR, WITH VOCAL CORD PARALYSIS, HARDING TYPE VIIB; LOWER MOTOR NEURON DISEASE, DYNACTIN TYPE; Distal Hereditary Motor Neuronopathy Type 7B (dHMN7B). Identifiers: Orphanet 139589, MedGen C1843315, MONDO:0011879, OMIM 607641.

Submissions (2):

Labcorp Genetics (formerly Invitae), Labcorp
Classification: Likely pathogenic for Amyotrophic lateral sclerosis type 1; Neuronopathy, distal hereditary motor, type 7B; Perry syndrome. Last evaluated: 2025-09-02. Review status: criteria provided, single submitter. Criteria: Invitae Variant Classification Sherloc (09022015). Collection method: clinical testing. Allele origin: germline.
Comment: This sequence change replaces tyrosine, which is neutral and polar, with histidine, which is basic and polar, at codon 78 of the DCTN1 protein (p.Tyr78His). This variant is not present in population databases (gnomAD no frequency). This missense change has been observed in individuals with Parkinsonism and/or Perry syndrome (PMID: 32712562, 36608707, 37198191). It has also been observed to segregate with disease in related individuals. ClinVar contains an entry for this variant (Variation ID: 582950). Invitae Evidence Modeling of protein sequence and biophysical properties (such as structural, functional, and spatial information, amino acid conservation, physicochemical variation, residue mobility, and thermodynamic stability) has been performed for this missense variant. However, the output from this modeling did not meet the statistical confidence thresholds required to predict the impact of this variant on DCTN1 protein function. This variant disrupts the p.Tyr78 amino acid residue in DCTN1. Other variant(s) that disrupt this residue have been determined to be pathogenic (PMID: 24484619, 24881494, 32325477). This suggests that this residue is clinically significant, and that variants that disrupt this residue are likely to be disease-causing. In summary, the currently available evidence indicates that the variant is pathogenic, but additional data are needed to prove that conclusively. Therefore, this variant has been classified as Likely Pathogenic.

GeneDx
Classification: Likely pathogenic. Last evaluated: 2024-07-26. Review status: criteria provided, single submitter. Criteria: GeneDx Variant Classification Process June 2021. Collection method: clinical testing. Allele origin: germline. Affected: yes.
Comment: Not observed at significant frequency in large population cohorts (gnomAD); In silico analysis supports that this missense variant has a deleterious effect on protein structure/function; This variant is associated with the following publications: (PMID: Wang2023[CaseReport], 34508845, 37336025, 36608707, 34342072, 33476877, 32712562, 37198191)

Literature cited by the submitters: PubMed 32712562 (cited by Labcorp Genetics (formerly Invitae), Labcorp); PubMed 36608707 (cited by Labcorp Genetics (formerly Invitae), Labcorp); PubMed 37198191 (cited by Labcorp Genetics (formerly Invitae), Labcorp); PubMed 24484619 (cited by Labcorp Genetics (formerly Invitae), Labcorp); PubMed 24881494 (cited by Labcorp Genetics (formerly Invitae), Labcorp); PubMed 32325477 (cited by Labcorp Genetics (formerly Invitae), Labcorp).